The following is an entry in ClinVar:

NM_000466.3(PEX1):c.724G>A (p.Val242Ile)

Gene: PEX1 (peroxisomal biogenesis factor 1; minus strand). Cytogenetic location: 7q21.2.
Variant type: single nucleotide variant.
Coding change: c.724G>A on transcript NM_000466.3 (MANE Select); coding-DNA position 724, G replaced by A.
Protein change: p.Val242Ile; replaces valine 242 with isoleucine.
Molecular consequence: missense variant.
Genome position (GRCh38, 1-based): chr7:92,517,791, C>T on the plus strand (G>A on the coding strand, the complement: PEX1 is on the minus strand). VCF-style: chr7-92517791-C-T. GRCh37 (hg19) VCF-style: chr7-92147105-C-T.
Other names: c.724G>A, p.Val242Ile (NM_001282677.2); c.100G>A, p.Val34Ile (NM_001282678.2); short protein forms V242I, V34I.
Identifiers: ClinVar variation 908690 (VCV000908690.5), dbSNP rs764044654, ClinGen allele CA4341550.
Genomic context (GRCh38, chr7:92,517,791, plus strand): 5'-CTTGTTTCTTCTCAGATTGAAAGGAAAAAATGCTTCCTATCATAGTCCATAAACTTGCTA[C>T]TGATGATGAGTCAACTGGAATCTCTGACTCGTTTTCATTAGATTCAGTGATTCCCACAGT-3'
Protein context (NP_000457.1, residues 232-252): ESEIPVDSSS[Val242Ile]ASLWTMIGSI

ClinVar aggregate classification (germline): Uncertain significance. Review status: criteria provided, multiple submitters, no conflicts (2 of 4 stars). 2 submissions from 2 submitters: Uncertain significance (2). Last evaluated 2021-08-12.

Conditions:
Peroxisome biogenesis disorder 1A (Zellweger) (PBD1A). Also called: Zellweger leukodystrophy; Peroxisome biogenesis disorder 1a. Identifiers: MedGen C4721541, MONDO:0008953, OMIM 214100.
Zellweger spectrum disorders (ZS). Also called: Zellweger syndrome; Zellweger Spectrum Disorder (ZSD); Zellweger Spectrum Disorder; Zellweger Spectrum. Identifiers: Orphanet 912, MedGen C0043459, MONDO:0019609.

Allele frequency attached by ClinVar (database versions not stated): gnomAD 0.00001; gnomAD exomes 0.00002; TOPMed 0.00003; ExAC 0.00004.
gnomAD v4.1: 32 of 1,567,930 alleles (0.002%); highest among the groups gnomAD compares: Non-Finnish European, 0.0023%; no homozygotes.

Submissions (2):

Labcorp Genetics (formerly Invitae), Labcorp
Classification: Uncertain significance for Zellweger spectrum disorders. Last evaluated: 2021-08-12. Review status: criteria provided, single submitter. Criteria: Invitae Variant Classification Sherloc (09022015). Collection method: clinical testing. Allele origin: germline.
Comment: This sequence change replaces valine with isoleucine at codon 242 of the PEX1 protein (p.Val242Ile). The valine residue is weakly conserved and there is a small physicochemical difference between valine and isoleucine. This variant is present in population databases (rs764044654, ExAC 0.03%). This missense change has been observed in individual(s) with peroxisome biogenesis disorder although a second variant is not observed (PMID: 21846392). ClinVar contains an entry for this variant (Variation ID: 908690). Advanced modeling of protein sequence and biophysical properties (such as structural, functional, and spatial information, amino acid conservation, physicochemical variation, residue mobility, and thermodynamic stability) performed at Invitae indicates that this missense variant is not expected to disrupt PEX1 protein function. In summary, the available evidence is currently insufficient to determine the role of this variant in disease. Therefore, it has been classified as a Variant of Uncertain Significance.

Illumina Laboratory Services, Illumina
Classification: Uncertain significance for Peroxisome biogenesis disorder 1A (Zellweger). Last evaluated: 2017-04-27. Review status: criteria provided, single submitter. Criteria: ICSL Variant Classification Criteria 13 December 2019. Collection method: clinical testing. Allele origin: germline.
Comment: This variant was observed as part of a predisposition screen in an ostensibly healthy population. A literature search was performed for the gene, cDNA change, and amino acid change (where applicable). Publications were found based on this search. However, the evidence from the literature, in combination with allele frequency data from public databases where available, was not sufficient to rule this variant in or out of causing disease. Therefore, this variant is classified as a variant of unknown significance.

Literature cited by the submitters: PubMed 21846392 (cited by Labcorp Genetics (formerly Invitae), Labcorp and Illumina Laboratory Services, Illumina).